The following is an entry in ClinVar:

ClinVar aggregate classification (germline): Uncertain significance. Review status: criteria provided, multiple submitters, no conflicts (2 of 4 stars). 2 submissions from 2 submitters: Uncertain significance (2). Last evaluated 2022-08-01.

Conditions:
Meckel-Gruber syndrome. Also called: Dysencephalia splachnocystica; DYSENCEPHALIA SPLANCHNOCYSTICA; GRUBER SYNDROME. Identifiers: Orphanet 564, MedGen C0265215, MONDO:0018921.
Joubert syndrome. Also called: Familial aplasia of the vermis; JOUBERT-BOLTSHAUSER SYNDROME. Identifiers: Orphanet 475, MedGen C5979921, MONDO:0018772.

Allele frequency attached by ClinVar (database versions not stated): gnomAD exomes below 0.00001.
gnomAD v4.1: 4 of 1,553,538 alleles (0.00026%); highest among the groups gnomAD compares: South Asian, 0.0012%; no homozygotes.

Submissions (2):

Labcorp Genetics (formerly Invitae), Labcorp
Classification: Uncertain significance for Joubert syndrome; Meckel-Gruber syndrome. Last evaluated: 2022-08-01. Review status: criteria provided, single submitter. Criteria: Invitae Variant Classification Sherloc (09022015). Collection method: clinical testing. Allele origin: germline.
Comment: This sequence change falls in intron 18 of the CC2D2A gene. It does not directly change the encoded amino acid sequence of the CC2D2A protein. It affects a nucleotide within the consensus splice site. This variant is not present in population databases (gnomAD no frequency). This variant has not been reported in the literature in individuals affected with CC2D2A-related conditions. ClinVar contains an entry for this variant (Variation ID: 597621). Variants that disrupt the consensus splice site are a relatively common cause of aberrant splicing (PMID: 17576681, 9536098). Algorithms developed to predict the effect of sequence changes on RNA splicing suggest that this variant is not likely to affect RNA splicing. In summary, the available evidence is currently insufficient to determine the role of this variant in disease. Therefore, it has been classified as a Variant of Uncertain Significance.

Eurofins Ntd Llc (ga)
Classification: Uncertain significance. Last evaluated: 2018-06-20. Review status: criteria provided, single submitter. Criteria: EGL ClinVar v180209 classification definitions. Collection method: clinical testing. Allele origin: germline. Observed: 1 variant allele, 1 heterozygote.

Literature cited by the submitters: PubMed 17576681 (cited by Labcorp Genetics (formerly Invitae), Labcorp); PubMed 9536098 (cited by Labcorp Genetics (formerly Invitae), Labcorp).

NM_001378615.1(CC2D2A):c.2182-3C>T

Genes: CC2D2A (coiled-coil and C2 domain containing 2A; plus strand), FBXL5 (F-box and leucine rich repeat protein 5; minus strand). Cytogenetic location: 4p15.32.
Variant type: single nucleotide variant.
Coding change: c.2182-3C>T on transcript NM_001378615.1 (MANE Select); 3 bases into the intron before coding-DNA position 2182, C replaced by T.
Molecular consequence: intron variant.
Genome position (GRCh38, 1-based): chr4:15,550,821, C>T. VCF-style: chr4-15550821-C-T. GRCh37 (hg19) VCF-style: chr4-15552444-C-T.
Other names: c.2182-3C>T (NM_001080522.2); c.2035-3C>T (NM_001378617.1).
Identifiers: ClinVar variation 597621 (VCV000597621.7), dbSNP rs1560177957, ClinGen allele CA913189469.